The following is an entry in ClinVar:

ClinVar aggregate classification (germline): Uncertain significance. Review status: criteria provided, multiple submitters, no conflicts (2 of 4 stars). 2 submissions from 2 submitters: Uncertain significance (2). Last evaluated 2024-06-09.

Conditions:
Hereditary cancer-predisposing syndrome. Also called: Tumor predisposition; Neoplastic Syndromes, Hereditary; Hereditary Cancer Syndrome; Hereditary neoplastic syndrome. Identifiers: Orphanet 140162, MedGen C0027672, MeSH D009386, MONDO:0015356.
Hyperparathyroidism 1 (HRPT1). Also called: HYPERPARATHYROIDISM, FAMILIAL ISOLATED PRIMARY. Identifiers: Orphanet 99879, MedGen C1840402, MONDO:0007767, OMIM 145000.
Parathyroid carcinoma (PRTC). Also called: CDC73-Related Parathyroid Carcinoma; Parathyroid gland carcinoma. Identifiers: Orphanet 143, MedGen C0687150, MONDO:0012004, OMIM 608266, HP:0006780.
Hyperparathyroidism 2 with jaw tumors. Also called: Hyperparathyroidism 2; Hyperparathyroidism-Jaw Tumor Syndrome; HYPERPARATHYROIDISM, FAMILIAL PRIMARY, WITH MULTIPLE OSSIFYING JAW FIBROMAS; HYPERPARATHYROIDISM-JAW TUMOR SYNDROME, HEREDITARY. Identifiers: Orphanet 99880, MedGen C1704981, MONDO:0007768, OMIM 145001.

gnomAD v4.1: 2 of 1,593,192 alleles (0.00013%); highest among the groups gnomAD compares: Non-Finnish European, 0.00017%; no homozygotes.

Submissions (2):

Fulgent Genetics
Classification: Uncertain significance for Hyperparathyroidism 1; Hyperparathyroidism 2 with jaw tumors; Parathyroid carcinoma. Last evaluated: 2024-06-09. Review status: criteria provided, single submitter. Criteria: ACMG Guidelines, 2015. Collection method: clinical testing. Allele origin: germline.

Ambry Genetics
Classification: Uncertain significance for Hereditary cancer-predisposing syndrome. Last evaluated: 2023-06-30. Review status: criteria provided, single submitter. Criteria: Ambry Variant Classification Scheme 2023. Collection method: clinical testing. Allele origin: germline.
Comment: The p.R358Q variant (also known as c.1073G>A), located in coding exon 13 of the CDC73 gene, results from a G to A substitution at nucleotide position 1073. The arginine at codon 358 is replaced by glutamine, an amino acid with highly similar properties. This amino acid position is conserved. In addition, the in silico prediction for this alteration is inconclusive. Since supporting evidence is limited at this time, the clinical significance of this alteration remains unclear.

NM_024529.5(CDC73):c.1073G>A (p.Arg358Gln)

Gene: CDC73 (cell division cycle 73; plus strand). Cytogenetic location: 1q31.2.
Variant type: single nucleotide variant.
Coding change: c.1073G>A on transcript NM_024529.5 (MANE Select); coding-DNA position 1073, G replaced by A.
Protein change: p.Arg358Gln; replaces arginine 358 with glutamine.
Molecular consequence: missense variant.
Genome position (GRCh38, 1-based): chr1:193,212,396, G>A. VCF-style: chr1-193212396-G-A. GRCh37 (hg19) VCF-style: chr1-193181526-G-A.
Other names: short protein forms R358Q.
Identifiers: ClinVar variation 2585775 (VCV002585775.3), dbSNP rs1677294728, ClinGen allele CA344077520.